The following is an entry in ClinVar:

NM_001372.4(DNAH9):c.991G>A (p.Val331Met)

Gene: DNAH9 (dynein axonemal heavy chain 9; plus strand). Cytogenetic location: 17p12.
Variant type: single nucleotide variant.
Coding change: c.991G>A on transcript NM_001372.4 (MANE Select); coding-DNA position 991, G replaced by A.
Protein change: p.Val331Met; replaces valine 331 with methionine.
Molecular consequence: missense variant.
Genome position (GRCh38, 1-based): chr17:11,617,497, G>A. VCF-style: chr17-11617497-G-A. GRCh37 (hg19) VCF-style: chr17-11520814-G-A.
Other names: short protein forms V331M.
Identifiers: ClinVar variation 1491429 (VCV001491429.6), dbSNP rs754813799, ClinGen allele CA8394728.
Genomic context (GRCh38, chr17:11,617,497, plus strand): 5'-GTGCACCTGATACCGCTCCAGCGCCACCTGGAAGCTCTGGAGAATGCAGAATTTCCGGAG[G>A]TGAAGCCCCAGCTGCGGCCCCTGCTCCACGTGGTCTGTCTGATTTGGGCCACATGCAAGT-3'
Protein context (NP_001363.2, residues 321-341): EALENAEFPE[Val331Met]KPQLRPLLHV

ClinVar aggregate classification (germline): Uncertain significance (1 of 4 stars; one submission).

Allele frequency attached by ClinVar (database versions not stated): gnomAD exomes below 0.00001 and 0.00001; TOPMed 0.00001; ExAC 0.00002.
gnomAD v4.1: 4 of 1,614,154 alleles (0.00025%); highest among the groups gnomAD compares: Admixed American, 0.0033%; no homozygotes.

Submission:

Labcorp Genetics (formerly Invitae), Labcorp
Classification: Uncertain significance. Last evaluated: 2022-09-19. Review status: criteria provided, single submitter. Criteria: Invitae Variant Classification Sherloc (09022015). Collection method: clinical testing. Allele origin: germline.
Comment: In summary, the available evidence is currently insufficient to determine the role of this variant in disease. Therefore, it has been classified as a Variant of Uncertain Significance. Algorithms developed to predict the effect of missense changes on protein structure and function output the following: SIFT: "Tolerated"; PolyPhen-2: "Benign"; Align-GVGD: "Class C0". The methionine amino acid residue is found in multiple mammalian species, which suggests that this missense change does not adversely affect protein function. ClinVar contains an entry for this variant (Variation ID: 1491429). This variant has not been reported in the literature in individuals affected with DNAH9-related conditions. This variant is present in population databases (rs754813799, gnomAD 0.006%). This sequence change replaces valine, which is neutral and non-polar, with methionine, which is neutral and non-polar, at codon 331 of the DNAH9 protein (p.Val331Met).